The following is an entry in ClinVar:

ClinVar aggregate classification (germline): Uncertain significance (1 of 4 stars; one submission).

Allele frequency attached by ClinVar (database versions not stated): gnomAD 0.00010; TOPMed 0.00008.
gnomAD v4.1: 22 of 1,613,932 alleles (0.0014%); highest among the groups gnomAD compares: Admixed American, 0.028%; no homozygotes.

Submission:

Labcorp Genetics (formerly Invitae), Labcorp
Classification: Uncertain significance. Last evaluated: 2024-02-23. Review status: criteria provided, single submitter. Criteria: Invitae Variant Classification Sherloc (09022015). Collection method: clinical testing. Allele origin: germline.
Comment: This sequence change replaces arginine, which is basic and polar, with tryptophan, which is neutral and slightly polar, at codon 318 of the MYO1E protein (p.Arg318Trp). This variant is present in population databases (no rsID available, gnomAD 0.01%). This variant has not been reported in the literature in individuals affected with MYO1E-related conditions. ClinVar contains an entry for this variant (Variation ID: 2078952). Advanced modeling of protein sequence and biophysical properties (such as structural, functional, and spatial information, amino acid conservation, physicochemical variation, residue mobility, and thermodynamic stability) performed at Invitae indicates that this missense variant is not expected to disrupt MYO1E protein function with a negative predictive value of 80%. In summary, the available evidence is currently insufficient to determine the role of this variant in disease. Therefore, it has been classified as a Variant of Uncertain Significance.

NM_004998.4(MYO1E):c.952C>T (p.Arg318Trp)

Gene: MYO1E (myosin IE; minus strand). Cytogenetic location: 15q22.2.
Variant type: single nucleotide variant.
Coding change: c.952C>T on transcript NM_004998.4 (MANE Select); coding-DNA position 952, C replaced by T.
Protein change: p.Arg318Trp; replaces arginine 318 with tryptophan.
Molecular consequence: missense variant.
Genome position (GRCh38, 1-based): chr15:59,218,046, G>A on the plus strand (C>T on the coding strand, the complement: MYO1E is on the minus strand). VCF-style: chr15-59218046-G-A. GRCh37 (hg19) VCF-style: chr15-59510245-G-A.
Other names: short protein forms R318W.
Identifiers: ClinVar variation 2078952 (VCV002078952.4), dbSNP rs1242753330, ClinGen allele CA392650940.
Genomic context (GRCh38, chr15:59,218,046, plus strand): 5'-ATTCGGATTTGCCTCCCCACTTGCTATCCATCTGCCGGCTTGTTAGCTTTTCTTTCAACC[G>A]GTCCTGGTTTATCCCTAGCAGATATGCAGGAAAAGCTAAAACTGTAGAACATAAAACAAA-3'
Protein context (NP_004989.2, residues 308-328): PAYLLGINQD[Arg318Trp]LKEKLTSRQM